The following is an entry in ClinVar:

ClinVar aggregate classification (germline): Uncertain significance (1 of 4 stars; one submission).

Conditions:
Hyperaldosteronism, familial, type IV (HALD4). Also called: FH IV; ALDOSTERONISM, PRIMARY, AND HYPERTENSION. Identifiers: Orphanet 642671, MedGen C4310756, MONDO:0014875, OMIM 617027.
Idiopathic generalized epilepsy. Also called: Generalised epilepsy; EIG. Identifiers: MedGen C0270850, MONDO:0005579, OMIM 600669.

Submission:

Labcorp Genetics (formerly Invitae), Labcorp
Classification: Uncertain significance for Idiopathic generalized epilepsy; Hyperaldosteronism, familial, type IV. Last evaluated: 2020-11-03. Review status: criteria provided, single submitter. Criteria: Invitae Variant Classification Sherloc (09022015). Collection method: clinical testing. Allele origin: germline.
Comment: In summary, the available evidence is currently insufficient to determine the role of this variant in disease. Therefore, it has been classified as a Variant of Uncertain Significance. Advanced modeling of protein sequence and biophysical properties (such as structural, functional, and spatial information, amino acid conservation, physicochemical variation, residue mobility, and thermodynamic stability) performed at Invitae indicates that this missense variant is not expected to disrupt CACNA1H protein function. This variant has not been reported in the literature in individuals with CACNA1H-related conditions. This variant is not present in population databases (ExAC no frequency). This sequence change replaces serine with glycine at codon 1792 of the CACNA1H protein (p.Ser1792Gly). The serine residue is weakly conserved and there is a small physicochemical difference between serine and glycine.

NM_021098.3(CACNA1H):c.5374A>G (p.Ser1792Gly)

Gene: CACNA1H (calcium voltage-gated channel subunit alpha1 H; plus strand). Cytogenetic location: 16p13.3.
Variant type: single nucleotide variant.
Coding change: c.5374A>G on transcript NM_021098.3 (MANE Select); coding-DNA position 5374, A replaced by G.
Protein change: p.Ser1792Gly; replaces serine 1792 with glycine.
Molecular consequence: missense variant.
Genome position (GRCh38, 1-based): chr16:1,217,969, A>G. VCF-style: chr16-1217969-A-G. GRCh37 (hg19) VCF-style: chr16-1267969-A-G.
Other names: c.5356A>G, p.Ser1786Gly (NM_001005407.2); short protein forms S1792G, S1786G.
Identifiers: ClinVar variation 1386461 (VCV001386461.8), dbSNP rs773893318, ClinGen allele CA394147023.